The following is an entry in ClinVar:

ClinVar aggregate classification (germline): Uncertain significance (1 of 4 stars; one submission).

Conditions:
Hypertrophic cardiomyopathy. Also called: HYPERTROPHIC MYOCARDIOPATHY. Identifiers: Orphanet 217569, MedGen C0007194, MeSH D002312, MONDO:0005045, HP:0001639.

gnomAD v4.1: 1 of 1,613,980 alleles (0.000062%); highest among the groups gnomAD compares: Non-Finnish European, 0.000085%; no homozygotes.

Submission:

Labcorp Genetics (formerly Invitae), Labcorp
Classification: Uncertain significance for Hypertrophic cardiomyopathy. Last evaluated: 2022-03-15. Review status: criteria provided, single submitter. Criteria: Invitae Variant Classification Sherloc (09022015). Collection method: clinical testing. Allele origin: germline.
Comment: In summary, the available evidence is currently insufficient to determine the role of this variant in disease. Therefore, it has been classified as a Variant of Uncertain Significance. Algorithms developed to predict the effect of sequence changes on RNA splicing suggest that this variant may create or strengthen a splice site. Algorithms developed to predict the effect of missense changes on protein structure and function (SIFT, PolyPhen-2, Align-GVGD) all suggest that this variant is likely to be tolerated. This variant has not been reported in the literature in individuals affected with MYOZ2-related conditions. This variant is not present in population databases (gnomAD no frequency). This sequence change replaces serine, which is neutral and polar, with threonine, which is neutral and polar, at codon 84 of the MYOZ2 protein (p.Ser84Thr).

NM_016599.5(MYOZ2):c.251G>C (p.Ser84Thr)

Gene: MYOZ2 (myozenin 2; plus strand). Cytogenetic location: 4q26.
Variant type: single nucleotide variant.
Coding change: c.251G>C on transcript NM_016599.5 (MANE Select); coding-DNA position 251, G replaced by C.
Protein change: p.Ser84Thr; replaces serine 84 with threonine.
Molecular consequence: missense variant.
Genome position (GRCh38, 1-based): chr4:119,158,026, G>C. VCF-style: chr4-119158026-G-C. GRCh37 (hg19) VCF-style: chr4-120079181-G-C.
Other names: short protein forms S84T.
Identifiers: ClinVar variation 2058665 (VCV002058665.4), dbSNP rs1741621285, ClinGen allele CA358203790.